The following is an entry in ClinVar:

NM_000836.4(GRIN2D):c.3754A>T (p.Arg1252Trp)

Gene: GRIN2D (glutamate ionotropic receptor NMDA type subunit 2D; plus strand). Cytogenetic location: 19q13.33.
Variant type: single nucleotide variant.
Coding change: c.3754A>T on transcript NM_000836.4 (MANE Select); coding-DNA position 3754, A replaced by T.
Protein change: p.Arg1252Trp; replaces arginine 1252 with tryptophan.
Molecular consequence: missense variant.
Genome position (GRCh38, 1-based): chr19:48,443,680, A>T. VCF-style: chr19-48443680-A-T. GRCh37 (hg19) VCF-style: chr19-48946937-A-T.
Other names: short protein forms R1252W.
Identifiers: ClinVar variation 1498108 (VCV001498108.8), dbSNP rs2147477961, ClinGen allele CA406678040.
Genomic context (GRCh38, chr19:48,443,680, plus strand): 5'-CACCCGCACCGCCCGCGGGCCTCGCACCGCACGCCCGCCGCCGCCGCGCCCCACCACCAC[A>T]GGCACCGGCGCGCCGCTGGGGGCTGGGACCTCCCGCCGCCCGCGCCCACCTCGCGCTCGC-3'
Protein context (NP_000827.2, residues 1242-1262): TPAAAAPHHH[Arg1252Trp]HRRAAGGWDL

ClinVar aggregate classification (germline): Uncertain significance (1 of 4 stars; one submission).

Submission:

Labcorp Genetics (formerly Invitae), Labcorp
Classification: Uncertain significance. Last evaluated: 2020-12-29. Review status: criteria provided, single submitter. Criteria: Invitae Variant Classification Sherloc (09022015). Collection method: clinical testing. Allele origin: germline.
Comment: In summary, the available evidence is currently insufficient to determine the role of this variant in disease. Therefore, it has been classified as a Variant of Uncertain Significance. Advanced modeling of protein sequence and biophysical properties (such as structural, functional, and spatial information, amino acid conservation, physicochemical variation, residue mobility, and thermodynamic stability) performed at Invitae indicates that this missense variant is not expected to disrupt GRIN2D protein function. This variant has not been reported in the literature in individuals with GRIN2D-related conditions. The frequency data for this variant in the population databases is considered unreliable, as metrics indicate insufficient coverage at this position in the ExAC database. This sequence change replaces arginine with tryptophan at codon 1252 of the GRIN2D protein (p.Arg1252Trp). The arginine residue is weakly conserved and there is a moderate physicochemical difference between arginine and tryptophan.